The following is an entry in ClinVar:

NM_182493.3(MYLK3):c.1497C>G (p.His499Gln)

Gene: MYLK3 (myosin light chain kinase 3; minus strand). Cytogenetic location: 16q11.2.
Variant type: single nucleotide variant.
Coding change: c.1497C>G on transcript NM_182493.3 (MANE Select); coding-DNA position 1497, C replaced by G.
Protein change: p.His499Gln; replaces histidine 499 with glutamine.
Molecular consequence: missense variant.
Genome position (GRCh38, 1-based): chr16:46,730,664, G>C on the plus strand (C>G on the coding strand, the complement: MYLK3 is on the minus strand). VCF-style: chr16-46730664-G-C. GRCh37 (hg19) VCF-style: chr16-46764576-G-C.
Other names: c.474C>G, p.His158Gln (NM_001308301.1); short protein forms H158Q, H499Q.
Identifiers: ClinVar variation 2114795 (VCV002114795.4), dbSNP rs2548905165, ClinGen allele CA395791758.
Genomic context (GRCh38, chr16:46,730,664, plus strand): 5'-TTCGTGCTGGCACACCTCGTAACCCGCAGAGATGGAGGTCTCCTTGACGCTCACTACCCG[G>C]TGTTCAAAAGGAGCTGGTGGGGCCGGACTGTCATCTGCTCAGGAGGCAATAAGGACCTGT-3'
Protein context (NP_872299.2, residues 489-509): DSPAPPAPFE[His499Gln]RVVSVKETSI

ClinVar aggregate classification (germline): Uncertain significance (1 of 4 stars; one submission).

Submission:

Labcorp Genetics (formerly Invitae), Labcorp
Classification: Uncertain significance. Last evaluated: 2024-06-22. Review status: criteria provided, single submitter. Criteria: Invitae Variant Classification Sherloc (09022015). Collection method: clinical testing. Allele origin: germline.
Comment: This sequence change replaces histidine, which is basic and polar, with glutamine, which is neutral and polar, at codon 499 of the MYLK3 protein (p.His499Gln). This variant is not present in population databases (gnomAD no frequency). This variant has not been reported in the literature in individuals affected with MYLK3-related conditions. ClinVar contains an entry for this variant (Variation ID: 2114795). An algorithm developed to predict the effect of missense changes on protein structure and function (PolyPhen-2) suggests that this variant is likely to be disruptive. In summary, the available evidence is currently insufficient to determine the role of this variant in disease. Therefore, it has been classified as a Variant of Uncertain Significance.